The following is an entry in ClinVar:

ClinVar aggregate classification (germline): Uncertain significance (1 of 4 stars; one submission).

gnomAD v4.1: 18 of 1,587,484 alleles (0.0011%); highest among the groups gnomAD compares: Middle Eastern, 0.017%; no homozygotes.

Submission:

Labcorp Genetics (formerly Invitae), Labcorp
Classification: Uncertain significance. Last evaluated: 2026-01-21. Review status: criteria provided, single submitter. Criteria: Invitae Variant Classification Sherloc (09022015). Collection method: clinical testing. Allele origin: germline.
Comment: This sequence change replaces glycine, which is neutral and non-polar, with serine, which is neutral and polar, at codon 154 of the KANK2 protein (p.Gly154Ser). This variant is present in population databases (rs747940484, gnomAD 0.009%). This variant has not been reported in the literature in individuals affected with KANK2-related conditions. An algorithm developed to predict the effect of missense changes on protein structure and function (PolyPhen-2) suggests that this variant is likely to be tolerated. In summary, the available evidence is currently insufficient to determine the role of this variant in disease. Therefore, it has been classified as a Variant of Uncertain Significance.

NM_001136191.3(KANK2):c.460G>A (p.Gly154Ser)

Gene: KANK2 (KN motif and ankyrin repeat domains 2; minus strand). Cytogenetic location: 19p13.2.
Variant type: single nucleotide variant.
Coding change: c.460G>A on transcript NM_001136191.3 (MANE Select); coding-DNA position 460, G replaced by A.
Protein change: p.Gly154Ser; replaces glycine 154 with serine.
Molecular consequence: missense variant.
Genome position (GRCh38, 1-based): chr19:11,193,620, C>T on the plus strand (G>A on the coding strand, the complement: KANK2 is on the minus strand). VCF-style: chr19-11193620-C-T. GRCh37 (hg19) VCF-style: chr19-11304296-C-T.
Other names: c.460G>A, p.Gly154Ser (NM_001329451.2, NM_001379548.1, NM_001379549.1 and 15 more transcripts); short protein forms G154S.
Identifiers: ClinVar variation 4798185 (VCV004798185.1).
Genomic context (GRCh38, chr19:11,193,620, plus strand): 5'-GTCCTGAACTCCGTGGTGTCGGGGGTGGCAACCCCACGCCCACCAGGGAGGCTGTCGAGC[C>T]GGCCGCACTGGGGGTCAGGGAGCCCAGGCCGGTGGGTGTGGCCGCCTGGTCCTCGAGACG-3'
Protein context (NP_001129663.1, residues 144-164): GLGSLTPSAA[Gly154Ser]STASLVGVGL